The following is an entry in ClinVar:

NM_004519.4(KCNQ3):c.1979C>T (p.Thr660Ile)

Gene: KCNQ3 (potassium voltage-gated channel subfamily Q member 3; minus strand). Cytogenetic location: 8q24.22.
Variant type: single nucleotide variant.
Coding change: c.1979C>T on transcript NM_004519.4 (MANE Select); coding-DNA position 1979, C replaced by T.
Protein change: p.Thr660Ile; replaces threonine 660 with isoleucine.
Molecular consequence: missense variant.
Genome position (GRCh38, 1-based): chr8:132,129,902, G>A on the plus strand (C>T on the coding strand, the complement: KCNQ3 is on the minus strand). VCF-style: chr8-132129902-G-A. GRCh37 (hg19) VCF-style: chr8-133142149-G-A.
Other names: c.1619C>T, p.Thr540Ile (NM_001204824.2); short protein forms T540I, T660I.
Identifiers: ClinVar variation 3677974 (VCV003677974.2).

ClinVar aggregate classification (germline): Uncertain significance (1 of 4 stars; one submission).

Conditions:
Benign neonatal seizures. Also called: Convulsions benign familial neonatal dominant form; Autosomal dominant form of benign neonatal seizures; Benign familial neonatal epilepsy; Benign neonatal familial convulsions; Benign familial neonatal seizures. Identifiers: Orphanet 1949, MedGen C0220669, MONDO:0016027.

Submission:

Labcorp Genetics (formerly Invitae), Labcorp
Classification: Uncertain significance for Benign neonatal seizures. Last evaluated: 2024-06-11. Review status: criteria provided, single submitter. Criteria: Invitae Variant Classification Sherloc (09022015). Collection method: clinical testing. Allele origin: germline.
Comment: This sequence change replaces threonine, which is neutral and polar, with isoleucine, which is neutral and non-polar, at codon 660 of the KCNQ3 protein (p.Thr660Ile). This variant is not present in population databases (gnomAD no frequency). This variant has not been reported in the literature in individuals affected with KCNQ3-related conditions. Advanced modeling of protein sequence and biophysical properties (such as structural, functional, and spatial information, amino acid conservation, physicochemical variation, residue mobility, and thermodynamic stability) performed at Invitae indicates that this missense variant is not expected to disrupt KCNQ3 protein function with a negative predictive value of 95%. In summary, the available evidence is currently insufficient to determine the role of this variant in disease. Therefore, it has been classified as a Variant of Uncertain Significance.